The following is an entry in ClinVar:

NM_001330564.2(ZC3H13):c.3453T>C (p.Phe1151=)

Gene: ZC3H13 (zinc finger CCCH-type containing 13; minus strand). Cytogenetic location: 13q14.13.
Variant type: single nucleotide variant.
Coding change: c.3453T>C on transcript NM_001330564.2 (MANE Select); coding-DNA position 3453, T replaced by C.
Protein change: p.Phe1151=; no amino-acid change (phenylalanine 1151 retained).
Molecular consequence: synonymous variant. On other transcripts: non-coding transcript variant (1).
Genome position (GRCh38, 1-based): chr13:45,969,091, A>G on the plus strand (T>C on the coding strand, the complement: ZC3H13 is on the minus strand). VCF-style: chr13-45969091-A-G. GRCh37 (hg19) VCF-style: chr13-46543226-A-G.
Other names: c.3453T>C, p.Phe1151= (NM_001076788.2, NM_001330565.2, NM_001330566.2 and 7 more transcripts); c.3537T>C, p.Phe1179= (NM_001382211.1, NM_001382212.1, NM_001382213.1); c.2952T>C, p.Phe984= (NM_001382214.1).
Identifiers: ClinVar variation 2643807 (VCV002643807.24), dbSNP rs759678132, ClinGen allele CA6973957.
Genomic context (GRCh38, chr13:45,969,091, plus strand): 5'-AGGCGTCTCTACTTTTTCTACTCGTGTTCTGTGGCATTTTCTGTGTGAGTCTTCATTGGC[A>G]AAAGTATTATTGGTGGTATTGGTGGGGGTGGCAGAGGTGGAAATAGTGATGGCAGATGTG-3'
Protein context (NP_001317493.1, residues 1141-1161): ATPTNTTNNT[Phe1151=]ANEDSHRKCH

ClinVar aggregate classification (germline): Likely benign (1 of 4 stars; one submission).

Allele frequency attached by ClinVar (database versions not stated): gnomAD 0.00001; ExAC 0.00002.
gnomAD v4.1: 11 of 1,614,104 alleles (0.00068%); highest among the groups gnomAD compares: Middle Eastern, 0.017%; no homozygotes.

Submission:

CeGaT Center for Human Genetics Tuebingen
Classification: Likely benign. Last evaluated: 2022-07-01. Review status: criteria provided, single submitter. Criteria: CeGaT Center For Human Genetics Tuebingen Variant Classification Criteria Version 2. Collection method: clinical testing. Allele origin: germline. Affected: yes. Observed: 1 variant allele.
Comment: ZC3H13: BP4, BP7